The following is an entry in ClinVar:

ClinVar aggregate classification (germline): Conflicting classifications of pathogenicity. Review status: criteria provided, conflicting classifications (1 of 4 stars). 4 submissions from 4 submitters: Uncertain significance (2); Likely benign (1). 1 of the submissions does not count toward it. Last evaluated 2025-06-22.

Conditions:
Becker muscular dystrophy (BMD). Also called: MUSCULAR DYSTROPHY, PSEUDOHYPERTROPHIC PROGRESSIVE, BECKER TYPE; Becker Muscular Dystrophy (BMD). Identifiers: Orphanet 98895, MedGen C0917713, MONDO:0010311, OMIM 300376.
Cardiomyopathy (CMYO). Also called: Cardiomyopathies. Identifiers: Orphanet 167848, MedGen C0878544, MONDO:0004994, HP:0001638. Inheritance: Various modes of inheritance.
Duchenne muscular dystrophy (DMD). Also called: MUSCULAR DYSTROPHY, PSEUDOHYPERTROPHIC PROGRESSIVE, DUCHENNE TYPE; Duchenne Muscular Dystrophy (DMD). Identifiers: Orphanet 98896, MedGen C0013264, MONDO:0010679, OMIM 310200.
Dystrophin deficiency.

Allele frequency attached by ClinVar (database versions not stated): ExAC 0.00003; gnomAD 0.00005.

Submissions (4):

Labcorp Genetics (formerly Invitae), Labcorp
Classification: Likely benign for Duchenne muscular dystrophy. Last evaluated: 2025-06-22. Review status: criteria provided, single submitter. Criteria: Invitae Variant Classification Sherloc (09022015). Collection method: clinical testing. Allele origin: germline.

Eurofins Ntd Llc (ga)
Classification: Uncertain significance. Last evaluated: 2017-04-04. Review status: criteria provided, single submitter. Criteria: EGL Classification Definitions 2015. Collection method: clinical testing. Allele origin: germline. Observed: 1 variant allele, 1 heterozygote.

GeneDx
Classification: Uncertain significance. Last evaluated: 2015-12-08. Review status: criteria provided, single submitter. Criteria: GeneDx Variant Classification (06012015). Collection method: clinical testing. Allele origin: germline. Affected: yes.
Comment: A novel variant of uncertain significance has been identified in the DMD gene. The R314W variant has not been published as pathogenic or been reported as benign to our knowledge. The R314W variant was not observed in approximately 6500 individuals of European and African American ancestry in the NHLBI Exome Sequencing Project, indicating it is not a common benign variant in these populations. Additionally, the R314W variant is a non-conservative amino acid substitution, which is likely to impact secondary protein structure as these residues differ in polarity, charge, size and/or other properties. This substitution occurs at a position where amino acids with properties similar to Arginine are tolerated across species. Nevertheless, missense variants in nearby residues have not been reported in the Human Gene Mutation Database (Stenson et al., 2014). In silico analysis is inconsistent in its predictions as to whether or not the variant is damaging to the protein structure/function. Splice prediction algorithms predict that this variant has no impact on proper gene splicing. Finally, few missense variants have been reported in association with DMD-related disorders, and most DMD-associated cardiomyopathy variants are exon-level deletions/duplications that result in truncated dystrophin protein.

Natera, Inc.
Classification: Uncertain significance for Becker muscular dystrophy; Cardiomyopathy; Duchenne muscular dystrophy; Dystrophin deficiency. Last evaluated: 2020-06-18. Review status: no assertion criteria provided. Collection method: clinical testing. Allele origin: germline. Not counted in ClinVar's aggregate classification.

NM_004006.3(DMD):c.940C>T (p.Arg314Trp)

Gene: DMD (dystrophin; minus strand). Cytogenetic location: Xp21.1.
Variant type: single nucleotide variant.
Coding change: c.940C>T on transcript NM_004006.3 (MANE Select); coding-DNA position 940, C replaced by T.
Protein change: p.Arg314Trp; replaces arginine 314 with tryptophan.
Molecular consequence: missense variant.
Genome position (GRCh38, 1-based): chrX:32,697,890, G>A on the plus strand (C>T on the coding strand, the complement: DMD is on the minus strand). VCF-style: chrX-32697890-G-A. GRCh37 (hg19) VCF-style: chrX-32716007-G-A.
Other names: c.916C>T, p.Arg306Trp (NM_000109.4); c.928C>T, p.Arg310Trp (NM_004009.3); c.571C>T, p.Arg191Trp (NM_004010.3); short protein forms R314W, R191W, R310W, R306W.
Identifiers: ClinVar variation 449628 (VCV000449628.9), dbSNP rs764526102, ClinGen allele CA10380024.